The following is an entry in ClinVar:

NM_000497.4(CYP11B1):c.410_416delinsTC (p.Trp137fs)

Genes: CYP11B1 (cytochrome P450 family 11 subfamily B member 1; minus strand), LOC106799833 (CYP11B1 recombination region; plus strand). Cytogenetic location: 8q24.3.
Variant type: Indel.
Coding change: c.410_416delinsTC on transcript NM_000497.4 (MANE Select); coding-DNA positions 410 to 416, GGCGCTT replaced by TC.
Protein change: p.Trp137fs; shifts the reading frame from tryptophan 137.
Molecular consequence: frameshift variant.
Genome position (GRCh38, 1-based): chr8:142,877,202-142,877,208, AAGCGCC replaced by GA on the plus strand (GGCGCTT replaced by TC on the coding strand, the reverse complement: CYP11B1 is on the minus strand). VCF-style: chr8-142877202-AAGCGCC-GA. GRCh37 (hg19) VCF-style: chr8-143958618-AAGCGCC-GA.
Other names: c.410_416delinsTC, p.Trp137fs (NM_001026213.1); short protein forms W137fs.
Identifiers: ClinVar variation 5012350 (VCV005012350.1).

ClinVar aggregate classification (germline): Pathogenic (1 of 4 stars; one submission).

Conditions:
Deficiency of steroid 11-beta-monooxygenase (CYP11B1). Also called: ADRENAL HYPERPLASIA, CONGENITAL, DUE TO STEROID 11-BETA-HYDROXYLASE DEFICIENCY; 11-BETA-HYDROXYLASE DEFICIENCY; ADRENAL HYPERPLASIA IV; P450C11B1 DEFICIENCY; STEROID 11-BETA-HYDROXYLASE DEFICIENCY; Congenital adrenal hyperplasia due to 11-beta-hydroxylase deficiency. Identifiers: Orphanet 90795, MedGen C0268292, MONDO:0008729, OMIM 202010. Disease mechanism: loss of function.

Submission:

Myriad Genetics, Inc.
Classification: Pathogenic for Deficiency of steroid 11-beta-monooxygenase. Last evaluated: 2023-10-01. Review status: criteria provided, single submitter. Criteria: Myriad Autosomal Dominant, Autosomal Recessive and X-Linked Classification Criteria (2023). Collection method: clinical testing. Allele origin: unknown.
Comment: NM_000497.3(CYP11B1):c.410_416del7ins2(W137Ffs*120) is expected to be pathogenic in the context of congenital adrenal hyperplasia, CYP11B1-related. This variant is predicted to lead to an abnormal or absent protein product due to the creation of a premature termination codon in CYP11B1, a gene where loss-of-function variants are known to be pathogenic. Please note: this variant was assessed in the context of healthy population screening.